The following is an entry in ClinVar:

NM_004360.5(CDH1):c.2317C>T (p.His773Tyr)

Gene: CDH1 (cadherin 1; plus strand). Cytogenetic location: 16q22.1.
Variant type: single nucleotide variant.
Coding change: c.2317C>T on transcript NM_004360.5 (MANE Select); coding-DNA position 2317, C replaced by T.
Protein change: p.His773Tyr; replaces histidine 773 with tyrosine.
Molecular consequence: missense variant.
Genome position (GRCh38, 1-based): chr16:68,829,675, C>T. VCF-style: chr16-68829675-C-T. GRCh37 (hg19) VCF-style: chr16-68863578-C-T.
Other names: c.2317C>T (LRG_301t1, NM_004360.4); c.2134C>T, p.His712Tyr (NM_001317184.2); c.769C>T, p.His257Tyr (NM_001317185.2); c.352C>T, p.His118Tyr (NM_001317186.2); short protein forms H773Y, H118Y, H257Y, H712Y.
Identifiers: ClinVar variation 483225 (VCV000483225.7), dbSNP rs1555517823, ClinGen allele CA396470852.
Genomic context (GRCh38, chr16:68,829,675, plus strand): 5'-TCCTACTCTTCATTGTACTTCAACCTTTTTTCTCCAAAGGACTTTGACTTGAGCCAGCTG[C>T]ACAGGGGCCTGGACGCTCGGCCTGAAGTGACTCGTAACGACGTTGCACCAACCCTCATGA-3'
Protein context (NP_004351.1, residues 763-783): EDQDFDLSQL[His773Tyr]RGLDARPEVT

ClinVar aggregate classification (germline): Uncertain significance. Review status: criteria provided, multiple submitters, no conflicts (2 of 4 stars). 3 submissions from 3 submitters: Uncertain significance (3). Last evaluated 2025-09-14.

Conditions:
Hereditary cancer-predisposing syndrome. Also called: Hereditary neoplastic syndrome; Neoplastic Syndromes, Hereditary; Tumor predisposition; Hereditary Cancer Syndrome. Identifiers: Orphanet 140162, MedGen C0027672, MeSH D009386, MONDO:0015356.
Hereditary diffuse gastric adenocarcinoma (HDGC). Also called: DIFFUSE GASTRIC AND LOBULAR BREAST CANCER SYNDROME. Identifiers: Orphanet 26106, MedGen C1708349, MONDO:0007648, OMIM 137215.

Submissions (3):

Labcorp Genetics (formerly Invitae), Labcorp
Classification: Uncertain significance for Hereditary diffuse gastric adenocarcinoma. Last evaluated: 2025-09-14. Review status: criteria provided, single submitter. Criteria: Invitae Variant Classification Sherloc (09022015). Collection method: clinical testing. Allele origin: germline.
Comment: This sequence change replaces histidine, which is basic and polar, with tyrosine, which is neutral and polar, at codon 773 of the CDH1 protein (p.His773Tyr). This variant is not present in population databases (gnomAD no frequency). This missense change has been observed in individual(s) with breast cancer (PMID: 36436516). ClinVar contains an entry for this variant (Variation ID: 483225). An algorithm developed to predict the effect of missense changes on protein structure and function (PolyPhen-2) suggests that this variant is likely to be disruptive. In summary, the available evidence is currently insufficient to determine the role of this variant in disease. Therefore, it has been classified as a Variant of Uncertain Significance.

European Reference Network on Genetic Tumour Risk Syndromes (ERN-GENTURIS), i3s - Instituto de Investigação e Inovação em Saúde, University of Porto
Classification: Uncertain significance for Hereditary diffuse gastric adenocarcinoma. Last evaluated: 2022-08-01. Review status: criteria provided, single submitter. Criteria: Lee et al. (Hum Mutat. 2018). Collection method: clinical testing. Allele origin: germline. Inheritance: Autosomal dominant inheritance. Affected: no. Study: ERN GENTURIS.
Comment: PM2 (PMID: 30311375)

Ambry Genetics
Classification: Uncertain significance for Hereditary cancer-predisposing syndrome. Last evaluated: 2016-02-29. Review status: criteria provided, single submitter. Criteria: Ambry Variant Classification Scheme 2023. Collection method: clinical testing. Allele origin: germline.
Comment: The p.H773Y variant (also known as c.2317C>T), located in coding exon 15 of the CDH1 gene, results from a C to T substitution at nucleotide position 2317. The histidine at codon 773 is replaced by tyrosine, an amino acid with similar properties. This variant was not reported in population based cohorts in the following databases: Database of Single Nucleotide Polymorphisms (dbSNP), NHLBI Exome Sequencing Project (ESP), and 1000 Genomes Project. In the ESP, this variant was not observed in 6498 samples (12996 alleles) with coverage at this position. To date, this alteration has been detected with an allele frequency of approximately 0.001% (greater than 175000 alleles tested) in our clinical cohort. This amino acid position is highly conserved in available vertebrate species. In addition, the in silico prediction for this alteration is inconclusive. Since supporting evidence is limited at this time, the clinical significance of this alteration remains unclear.

Literature cited by the submitters: PubMed 36436516 (cited by Labcorp Genetics (formerly Invitae), Labcorp and European Reference Network on Genetic Tumour Risk Syndromes (ERN-GENTURIS), i3s - Instituto de Investigação e Inovação em Saúde, University of Porto).